The following is an entry in ClinVar:

ClinVar aggregate classification (germline): Uncertain significance. Review status: criteria provided, multiple submitters, no conflicts (2 of 4 stars). 3 submissions from 3 submitters: Uncertain significance (2). 1 of the submissions does not count toward it. Last evaluated 2024-12-06.

Conditions:
Fanconi anemia (FA). Also called: Fanconi's anemia. Identifiers: Orphanet 84, MedGen C0015625, MeSH D005199, MONDO:0019391.

Allele frequency attached by ClinVar (database versions not stated): 1000 Genomes Project 30x 0.00016; 1000 Genomes Project 0.00020.
gnomAD v4.1: 26 of 1,614,142 alleles (0.0016%); highest among the groups gnomAD compares: South Asian, 0.025%; no homozygotes.

Submissions (3):

Quest Diagnostics Nichols Institute San Juan Capistrano
Classification: Uncertain significance. Last evaluated: 2024-12-06. Review status: criteria provided, single submitter. Criteria: Quest Diagnostics criteria. Collection method: clinical testing. Allele origin: unknown.
Comment: The FANCA c.4093G>C (p.Val1365Leu) variant has not been reported in individuals with FANCA-related conditions in the published literature. The frequency of this variant in the general population (Genome Aggregation Database) is uninformative in the assessment of its pathogenicity. Analysis of this variant using bioinformatics tools for the prediction of the effect of amino acid changes on protein structure and function yielded predictions that this variant is benign. Based on the available information, we are unable to determine the clinical significance of this variant.

Labcorp Genetics (formerly Invitae), Labcorp
Classification: Uncertain significance for Fanconi anemia. Last evaluated: 2021-09-15. Review status: criteria provided, single submitter. Criteria: Invitae Variant Classification Sherloc (09022015). Collection method: clinical testing. Allele origin: germline.
Comment: This sequence change replaces valine with leucine at codon 1365 of the FANCA protein (p.Val1365Leu). The valine residue is weakly conserved and there is a small physicochemical difference between valine and leucine. This variant is present in population databases (rs529210242, ExAC 0.02%). This variant has not been reported in the literature in individuals affected with FANCA-related conditions. Algorithms developed to predict the effect of missense changes on protein structure and function output the following: SIFT: "Tolerated"; PolyPhen-2: "Benign"; Align-GVGD: "Class C0". The leucine amino acid residue is found in multiple mammalian species, which suggests that this missense change does not adversely affect protein function. In summary, the available evidence is currently insufficient to determine the role of this variant in disease. Therefore, it has been classified as a Variant of Uncertain Significance.

Natera, Inc.
Classification: Uncertain significance for Fanconi anemia. Last evaluated: 2020-03-10. Review status: no assertion criteria provided. Collection method: clinical testing. Allele origin: germline. Not counted in ClinVar's aggregate classification.

NM_000135.4(FANCA):c.4093G>C (p.Val1365Leu)

Genes: FANCA (FA complementation group A; minus strand), ZNF276 (zinc finger protein 276; plus strand). Cytogenetic location: 16q24.3.
Variant type: single nucleotide variant.
Coding change: c.4093G>C on transcript NM_000135.4 (MANE Select); coding-DNA position 4093, G replaced by C.
Protein change: p.Val1365Leu; replaces valine 1365 with leucine.
Molecular consequence: missense variant. On other transcripts: 3 prime UTR variant (2), non-coding transcript variant (4).
Genome position (GRCh38, 1-based): chr16:89,739,207, C>G on the plus strand (G>C on the coding strand, the complement: FANCA is on the minus strand). VCF-style: chr16-89739207-C-G. GRCh37 (hg19) VCF-style: chr16-89805615-C-G.
Other names: c.4093G>C, p.Val1365Leu (NM_001286167.3); c.*961C>G (NM_001113525.2, NM_152287.4); c.4093G>C (NM_000135.3); short protein forms V1365L.
Identifiers: ClinVar variation 967996 (VCV000967996.8), dbSNP rs529210242, ClinGen allele CA8250790.